The following is an entry in ClinVar:

NM_001614.5(ACTG1):c.983A>G (p.Lys328Arg)

Gene: ACTG1 (actin gamma 1; minus strand). Cytogenetic location: 17q25.3.
Variant type: single nucleotide variant.
Coding change: c.983A>G on transcript NM_001614.5 (MANE Select); coding-DNA position 983, A replaced by G.
Protein change: p.Lys328Arg; replaces lysine 328 with arginine.
Molecular consequence: missense variant. On other transcripts: non-coding transcript variant (1).
Genome position (GRCh38, 1-based): chr17:81,510,928, T>C on the plus strand (A>G on the coding strand, the complement: ACTG1 is on the minus strand). VCF-style: chr17-81510928-T-C. GRCh37 (hg19) VCF-style: chr17-79477954-T-C.
Other names: c.983A>G, p.Lys328Arg (NM_001199954.3); short protein forms K328R.
Identifiers: ClinVar variation 2949562 (VCV002949562.4), dbSNP rs2544386842, ClinGen allele CA401458743.

ClinVar aggregate classification (germline): Conflicting classifications of pathogenicity. Review status: criteria provided, conflicting classifications (1 of 4 stars). 2 submissions from 2 submitters: Likely pathogenic (1); Uncertain significance (1). Last evaluated 2023-07-05.

Conditions:
Autosomal dominant nonsyndromic hearing loss 20. Identifiers: Orphanet 90635, MedGen C1858172, MONDO:0011480, OMIM 604717.
Baraitser-winter syndrome 2. Identifiers: Orphanet 2995, MedGen C3281235, MONDO:0013812, OMIM 614583.

Submissions (2):

Labcorp Genetics (formerly Invitae), Labcorp
Classification: Uncertain significance for Baraitser-winter syndrome 2; Autosomal dominant nonsyndromic hearing loss 20. Last evaluated: 2023-07-05. Review status: criteria provided, single submitter. Criteria: Invitae Variant Classification Sherloc (09022015). Collection method: clinical testing. Allele origin: germline.
Comment: An algorithm developed to predict the effect of missense changes on protein structure and function (PolyPhen-2) suggests that this variant is likely to be tolerated. In summary, the available evidence is currently insufficient to determine the role of this variant in disease. Therefore, it has been classified as a Variant of Uncertain Significance. This variant has not been reported in the literature in individuals affected with ACTG1-related conditions. This variant is not present in population databases (gnomAD no frequency). This sequence change replaces lysine, which is basic and polar, with arginine, which is basic and polar, at codon 328 of the ACTG1 protein (p.Lys328Arg).

Molecular Genetics Lab, CHRU Brest
Classification: Likely pathogenic for Baraitser-winter syndrome 2; Autosomal dominant nonsyndromic hearing loss 20. Review status: criteria provided, single submitter. Criteria: ACMG Guidelines, 2015. Collection method: clinical testing. Allele origin: de novo. Affected: yes.